The following is an entry in ClinVar:

NC_000001.11:g.(?_241519585)_(241519728_?)del

Gene: FH (fumarate hydratase; minus strand). Cytogenetic location: 1q43.
Variant type: Deletion.
Identifiers: ClinVar variation 584410 (VCV000584410.1).

ClinVar aggregate classification (germline): Pathogenic (1 of 4 stars; one submission).

Conditions:
Fumarase deficiency (FMRD). Also called: Fumaric aciduria; Fumarate Hydratase Deficiency. Identifiers: Orphanet 24, MedGen C0342770, MONDO:0011730, OMIM 606812.

Submission:

Labcorp Genetics (formerly Invitae), Labcorp
Classification: Pathogenic for Fumarase deficiency. Last evaluated: 2018-01-25. Review status: criteria provided, single submitter. Criteria: Invitae Variant Classification Sherloc (09022015). Collection method: clinical testing. Allele origin: germline.
Comment: This variant is a gross deletion of the genomic region encompassing exon 1 of the FH gene, which includes the initiator codon. The 5' end of this event is unknown as it extends beyond the assayed region for this gene and therefore may encompass additional genes. The 3' boundary is likely confined to intron 1 of the FH gene. This is expected to result in an absent or disrupted protein product. Deletions of exon 1 have been reported in individuals affected with hereditary leiomyomatosis and renal cell carcinoma (PMID: 18503824, 28196407). Loss-of-function variants in FH are known to be pathogenic (PMID: 11865300, 21398687). For these reasons, this variant has been classified as Pathogenic.

Literature cited by the submitters: PubMed 28196407; PubMed 18503824.